The following is an entry in ClinVar:

NM_014795.4(ZEB2):c.1818G>A (p.Met606Ile)

Gene: ZEB2 (zinc finger E-box binding homeobox 2; minus strand). Cytogenetic location: 2q22.3.
Variant type: single nucleotide variant.
Coding change: c.1818G>A on transcript NM_014795.4 (MANE Select); coding-DNA position 1818, G replaced by A.
Protein change: p.Met606Ile; replaces methionine 606 with isoleucine.
Molecular consequence: missense variant.
Genome position (GRCh38, 1-based): chr2:144,399,369, C>T on the plus strand (G>A on the coding strand, the complement: ZEB2 is on the minus strand). VCF-style: chr2-144399369-C-T. GRCh37 (hg19) VCF-style: chr2-145156936-C-T.
Other names: c.1746G>A, p.Met582Ile (NM_001171653.2); short protein forms M606I, M582I.
Identifiers: ClinVar variation 2697055 (VCV002697055.3), dbSNP rs2549106495, ClinGen allele CA348710109.

ClinVar aggregate classification (germline): Uncertain significance (1 of 4 stars; one submission).

Conditions:
Mowat-Wilson syndrome (MOWS). Also called: Classic Mowat-Wilson Syndrome. Identifiers: Orphanet 2152, MedGen C1856113, MONDO:0009341, OMIM 235730.

Submission:

Labcorp Genetics (formerly Invitae), Labcorp
Classification: Uncertain significance for Mowat-Wilson syndrome. Last evaluated: 2023-11-23. Review status: criteria provided, single submitter. Criteria: Invitae Variant Classification Sherloc (09022015). Collection method: clinical testing. Allele origin: germline.
Comment: This sequence change replaces methionine, which is neutral and non-polar, with isoleucine, which is neutral and non-polar, at codon 606 of the ZEB2 protein (p.Met606Ile). This variant is not present in population databases (gnomAD no frequency). This variant has not been reported in the literature in individuals affected with ZEB2-related conditions. Advanced modeling of protein sequence and biophysical properties (such as structural, functional, and spatial information, amino acid conservation, physicochemical variation, residue mobility, and thermodynamic stability) has been performed at Invitae for this missense variant, however the output from this modeling did not meet the statistical confidence thresholds required to predict the impact of this variant on ZEB2 protein function. In summary, the available evidence is currently insufficient to determine the role of this variant in disease. Therefore, it has been classified as a Variant of Uncertain Significance.